The following is an entry in ClinVar:

ClinVar aggregate classification (germline): Pathogenic (1 of 4 stars; one submission).

Conditions:
Hereditary spastic paraplegia 2 (SPG2). Also called: SPASTIC PARAPLEGIA 2, X-LINKED; Spastic Paraplegia 2 (SPG2). Identifiers: Orphanet 99015, MedGen C0751604, MONDO:0010733, OMIM 312920.

Submission:

Labcorp Genetics (formerly Invitae), Labcorp
Classification: Pathogenic for Hereditary spastic paraplegia 2. Last evaluated: 2022-07-19. Review status: criteria provided, single submitter. Criteria: Invitae Variant Classification Sherloc (09022015). Collection method: clinical testing. Allele origin: germline.
Comment: This sequence change creates a premature translational stop signal (p.Gln185*) in the PLP1 gene. It is expected to result in an absent or disrupted protein product. Loss-of-function variants in PLP1 are known to be pathogenic (PMID: 18470932). For these reasons, this variant has been classified as Pathogenic. Algorithms developed to predict the effect of sequence changes on RNA splicing suggest that this variant may disrupt the consensus splice site. This variant has not been reported in the literature in individuals affected with PLP1-related conditions. This variant is not present in population databases (gnomAD no frequency).

Literature cited by the submitters: PubMed 18470932.

NM_000533.5(PLP1):c.553C>T (p.Gln185Ter)

Genes: PLP1 (proteolipid protein 1; plus strand), RAB9B (RAB9B, member RAS oncogene family; minus strand). Cytogenetic location: Xq22.2.
Variant type: single nucleotide variant.
Coding change: c.553C>T on transcript NM_000533.5 (MANE Select); coding-DNA position 553, C replaced by T.
Protein change: p.Gln185Ter; replaces glutamine 185 with a stop codon.
Molecular consequence: nonsense.
Genome position (GRCh38, 1-based): chrX:103,787,897, C>T. VCF-style: chrX-103787897-C-T. GRCh37 (hg19) VCF-style: chrX-103042826-C-T.
Other names: c.553C>T, p.Gln185Ter (NM_001128834.3); c.388C>T, p.Gln130Ter (NM_001305004.1); c.448C>T, p.Gln150Ter (NM_199478.3); short protein forms Q150*, Q130*, Q185*.
Identifiers: ClinVar variation 2015521 (VCV002015521.4), dbSNP rs1467533825, ClinGen allele CA414103896.
Genomic context (GRCh38, chrX:103,787,897, plus strand): 5'-CTGGTGTTTGCCTGCTCTGCTGTGCCTGTGTACATTTACTTCAACACCTGGACCACCTGC[C>T]AGTCTATTGCCTTCCCCAGCAAGACCTCTGCCAGTATAGGCAGTCTCTGTGCTGATGCCA-3'